The following is an entry in ClinVar:

NM_018127.7(ELAC2):c.1864G>T (p.Glu622Ter)

Gene: ELAC2 (elaC ribonuclease Z 2; minus strand). Cytogenetic location: 17p12.
Variant type: single nucleotide variant.
Coding change: c.1864G>T on transcript NM_018127.7 (MANE Select); coding-DNA position 1864, G replaced by T.
Protein change: p.Glu622Ter; replaces glutamic acid 622 with a stop codon.
Molecular consequence: nonsense.
Genome position (GRCh38, 1-based): chr17:12,995,007, C>A on the plus strand (G>T on the coding strand, the complement: ELAC2 is on the minus strand). VCF-style: chr17-12995007-C-A. GRCh37 (hg19) VCF-style: chr17-12898324-C-A.
Other names: c.1744G>T, p.Glu582Ter (NM_001165962.2); c.1861G>T, p.Glu621Ter (NM_173717.2); short protein forms E621*, E622*, E582*.
Identifiers: ClinVar variation 2014362 (VCV002014362.7), dbSNP rs761359247, ClinGen allele CA8401041.

ClinVar aggregate classification (germline): Pathogenic/Likely pathogenic. Review status: criteria provided, multiple submitters, no conflicts (2 of 4 stars). 3 submissions from 3 submitters: Pathogenic (1); Likely pathogenic (2). Last evaluated 2024-02-16.

Conditions:
Combined oxidative phosphorylation defect type 17. Also called: Combined oxidative phosphorylation deficiency 17. Identifiers: Orphanet 369913, MedGen C3809526, MONDO:0014190, OMIM 615440.
Prostate cancer, hereditary, 2 (HPC2). Identifiers: Orphanet 1331, MedGen C3539120, MONDO:0013872, OMIM 614731.
ELAC2-related disorders.

Allele frequency attached by ClinVar (database versions not stated): TOPMed below 0.00001; gnomAD 0.00001; gnomAD exomes 0.00001; ExAC 0.00002.
gnomAD v4.1: 4 of 1,614,114 alleles (0.00025%); highest among the groups gnomAD compares: East Asian, 0.0089%; no homozygotes.

Submissions (3):

Labcorp Genetics (formerly Invitae), Labcorp
Classification: Pathogenic for Combined oxidative phosphorylation defect type 17. Last evaluated: 2024-02-16. Review status: criteria provided, single submitter. Criteria: Invitae Variant Classification Sherloc (09022015). Collection method: clinical testing. Allele origin: germline.
Comment: This sequence change creates a premature translational stop signal (p.Glu622*) in the ELAC2 gene. It is expected to result in an absent or disrupted protein product. Loss-of-function variants in ELAC2 are known to be pathogenic (PMID: 27769300, 31045291). This variant is present in population databases (rs761359247, gnomAD 0.02%). This variant has not been reported in the literature in individuals affected with ELAC2-related conditions. ClinVar contains an entry for this variant (Variation ID: 2014362). For these reasons, this variant has been classified as Pathogenic.

Blueprint Genetics
Classification: Likely pathogenic for ELAC2-related disorders. Last evaluated: 2022-08-10. Review status: criteria provided, single submitter. Criteria: ACMG Guidelines, 2015. Collection method: clinical testing. Allele origin: germline. Affected: yes. Observed: 1 variant allele.

Juno Genomics, Hangzhou Juno Genomics, Inc
Classification: Likely pathogenic for Prostate cancer, hereditary, 2; Combined oxidative phosphorylation defect type 17. Review status: criteria provided, single submitter. Criteria: ACMG Guidelines, 2015. Collection method: clinical testing. Allele origin: germline.
Comment: Absent from controls (or at extremely low frequency if recessive) in Genome Aggregation Database.;Null variant in a gene where loss of function (LOF) is a known mechanism of disease.

Literature cited by the submitters: PubMed 27769300 (cited by Labcorp Genetics (formerly Invitae), Labcorp); PubMed 31045291 (cited by Labcorp Genetics (formerly Invitae), Labcorp).